The following is an entry in ClinVar:

NM_001903.5(CTNNA1):c.343C>A (p.Pro115Thr)

Gene: CTNNA1 (catenin alpha 1; plus strand). Cytogenetic location: 5q31.2.
Variant type: single nucleotide variant.
Coding change: c.343C>A on transcript NM_001903.5 (MANE Select); coding-DNA position 343, C replaced by A.
Protein change: p.Pro115Thr; replaces proline 115 with threonine.
Molecular consequence: missense variant. On other transcripts: intron variant (1).
Genome position (GRCh38, 1-based): chr5:138,810,079, C>A. VCF-style: chr5-138810079-C-A. GRCh37 (hg19) VCF-style: chr5-138145768-C-A.
Other names: c.343C>A, p.Pro115Thr (NM_001290307.3, NM_001323982.2, NM_001323983.1 and 3 more transcripts); c.34C>A, p.Pro12Thr (NM_001290309.3); c.-5-22C>A (NM_001290310.3); short protein forms P12T, P115T.
Identifiers: ClinVar variation 2841071 (VCV002841071.3), dbSNP rs2532329784, ClinGen allele CA361122951.

ClinVar aggregate classification (germline): Uncertain significance (1 of 4 stars; one submission).

Submission:

Labcorp Genetics (formerly Invitae), Labcorp
Classification: Uncertain significance. Last evaluated: 2023-02-26. Review status: criteria provided, single submitter. Criteria: Invitae Variant Classification Sherloc (09022015). Collection method: clinical testing. Allele origin: germline.
Comment: This variant has not been reported in the literature in individuals affected with CTNNA1-related conditions. In summary, the available evidence is currently insufficient to determine the role of this variant in disease. Therefore, it has been classified as a Variant of Uncertain Significance. Advanced modeling of protein sequence and biophysical properties (such as structural, functional, and spatial information, amino acid conservation, physicochemical variation, residue mobility, and thermodynamic stability) has been performed at Invitae for this missense variant, however the output from this modeling did not meet the statistical confidence thresholds required to predict the impact of this variant on CTNNA1 protein function. This variant is not present in population databases (gnomAD no frequency). This sequence change replaces proline, which is neutral and non-polar, with threonine, which is neutral and polar, at codon 115 of the CTNNA1 protein (p.Pro115Thr).